The following is an entry in ClinVar:

NM_000246.4(CIITA):c.3150-6C>T

Gene: CIITA (class II major histocompatibility complex transactivator; plus strand). Cytogenetic location: 16p13.13.
Variant type: single nucleotide variant.
Coding change: c.3150-6C>T on transcript NM_000246.4 (MANE Select); 6 bases into the intron before coding-DNA position 3150, C replaced by T.
Molecular consequence: intron variant.
Genome position (GRCh38, 1-based): chr16:10,922,161, C>T. VCF-style: chr16-10922161-C-T. GRCh37 (hg19) VCF-style: chr16-11016018-C-T.
Other names: c.3153-6C>T (NM_001286402.1, NM_001379332.1); c.3006-6C>T (NM_001379330.1); c.3150-6C>T (NM_001379333.1); c.3003-6C>T (NM_001379331.1); c.1398-6C>T (NM_001286403.2); c.3081-6C>T (NM_001379334.1).
Identifiers: ClinVar variation 729729 (VCV000729729.15), dbSNP rs192219239, ClinGen allele CA7900706.
Genomic context (GRCh38, chr16:10,922,161, plus strand): 5'-GTGGCTTCTGGAAGGCTGACCATGCACAGGCCTCCAATCCCTCCCCCTGGCCTCTGTTTC[C>T]GACAGCTTGTACAATAACTGCATCTGCGACGTGGGAGCCGAGAGCTTGGCTCGTGTGCTT-3'

ClinVar aggregate classification (germline): Benign/Likely benign. Review status: criteria provided, multiple submitters, no conflicts (2 of 4 stars). 4 submissions from 4 submitters: Benign (1); Likely benign (2). 1 of the submissions does not count toward it. Last evaluated 2026-06-01.

Conditions:
MHC class II deficiency. Also called: BLS, TYPE II; Bare lymphocyte syndrome 2. Identifiers: Orphanet 572, MedGen C5447452, MONDO:0008855.

Allele frequency attached by ClinVar (database versions not stated): ExAC 0.00018; gnomAD exomes 0.00018; TOPMed 0.00022; gnomAD 0.00030; 1000 Genomes Project 0.00040; ESP Exome Variant Server 0.00046; 1000 Genomes Project 30x 0.00062.
gnomAD v4.1: 123 of 1,614,118 alleles (0.0076%); highest among the groups gnomAD compares: East Asian, 0.12%; 2 homozygotes.

Submissions (4):

CeGaT Center for Human Genetics Tuebingen
Classification: Likely benign. Last evaluated: 2026-06-01. Review status: criteria provided, single submitter. Criteria: CeGaT Center For Human Genetics Tuebingen Variant Classification Criteria Version 2. Collection method: clinical testing. Allele origin: germline. Affected: yes. Observed: 1 variant allele.
Comment: CIITA: BP4

Labcorp Genetics (formerly Invitae), Labcorp
Classification: Benign for MHC class II deficiency. Last evaluated: 2026-01-21. Review status: criteria provided, single submitter. Criteria: Invitae Variant Classification Sherloc (09022015). Collection method: clinical testing. Allele origin: germline.

Blueprint Genetics
Classification: Likely benign. Last evaluated: 2024-11-26. Review status: criteria provided, single submitter. Criteria: ACMG Guidelines, 2015. Collection method: clinical testing. Allele origin: germline.

Natera, Inc.
Classification: Likely benign for Bare lymphocyte syndrome type II. Last evaluated: 2020-04-24. Review status: no assertion criteria provided. Collection method: clinical testing. Allele origin: germline. Not counted in ClinVar's aggregate classification.